The following is an entry in ClinVar:

NM_001166108.2(PALLD):c.2635T>A (p.Cys879Ser)

Genes: CBR4 (carbonyl reductase 4; minus strand), PALLD (palladin, cytoskeletal associated protein; plus strand). Cytogenetic location: 4q32.3.
Variant type: single nucleotide variant.
Coding change: c.2635T>A on transcript NM_001166108.2 (MANE Select); coding-DNA position 2635, T replaced by A.
Protein change: p.Cys879Ser; replaces cysteine 879 with serine.
Molecular consequence: missense variant.
Genome position (GRCh38, 1-based): chr4:168,913,939, T>A. VCF-style: chr4-168913939-T-A. GRCh37 (hg19) VCF-style: chr4-169835090-T-A.
Other names: c.1438T>A, p.Cys480Ser (NM_001166109.2); c.1123T>A, p.Cys375Ser (NM_001166110.2); c.463T>A, p.Cys155Ser (NM_001367567.1, NM_001367569.1); c.514T>A, p.Cys172Ser (NM_001367568.1, NM_001367570.1); c.2584T>A, p.Cys862Ser (NM_016081.4); short protein forms C480S, C375S, C862S, C879S, C155S, C172S.
Identifiers: ClinVar variation 1793418 (VCV001793418.2), dbSNP rs368472947, ClinGen allele CA358704833.

ClinVar aggregate classification (germline): Uncertain significance (1 of 4 stars; one submission).

gnomAD v4.1: 7 of 1,610,612 alleles (0.00043%); highest among the groups gnomAD compares: Non-Finnish European, 0.00051%; no homozygotes.

Submission:

Ambry Genetics
Classification: Uncertain significance. Last evaluated: 2022-02-27. Review status: criteria provided, single submitter. Criteria: Ambry Variant Classification Scheme 2023. Collection method: clinical testing. Allele origin: germline.
Comment: The p.C862S variant (also known as c.2584T>A), located in coding exon 14 of the PALLD gene, results from a T to A substitution at nucleotide position 2584. The cysteine at codon 862 is replaced by serine, an amino acid with dissimilar properties. This amino acid position is conserved. In addition, this alteration is predicted to be deleterious by in silico analysis. Since supporting evidence is limited at this time, the clinical significance of this alteration remains unclear.